The following is an entry in ClinVar:

NM_020832.3(ZNF687):c.1166A>G (p.Gln389Arg)

Gene: ZNF687 (zinc finger protein 687; plus strand). Cytogenetic location: 1q21.3.
Variant type: single nucleotide variant.
Coding change: c.1166A>G on transcript NM_020832.3 (MANE Select); coding-DNA position 1166, A replaced by G.
Protein change: p.Gln389Arg; replaces glutamine 389 with arginine.
Molecular consequence: missense variant.
Genome position (GRCh38, 1-based): chr1:151,287,457, A>G. VCF-style: chr1-151287457-A-G. GRCh37 (hg19) VCF-style: chr1-151259933-A-G.
Other names: c.1166A>G, p.Gln389Arg (NM_001304763.2, NM_001304764.2); short protein forms Q389R.
Identifiers: ClinVar variation 2958464 (VCV002958464.3), dbSNP rs373196214, ClinGen allele CA1088291.

ClinVar aggregate classification (germline): Uncertain significance (1 of 4 stars; one submission).

Allele frequency attached by ClinVar (database versions not stated): ExAC 0.00001; gnomAD 0.00001; TOPMed 0.00002; ESP Exome Variant Server 0.00008.

Submission:

Labcorp Genetics (formerly Invitae), Labcorp
Classification: Uncertain significance. Last evaluated: 2023-11-13. Review status: criteria provided, single submitter. Criteria: Invitae Variant Classification Sherloc (09022015). Collection method: clinical testing. Allele origin: germline.
Comment: This sequence change replaces glutamine, which is neutral and polar, with arginine, which is basic and polar, at codon 389 of the ZNF687 protein (p.Gln389Arg). This variant is present in population databases (rs373196214, gnomAD 0.008%). This variant has not been reported in the literature in individuals affected with ZNF687-related conditions. An algorithm developed to predict the effect of missense changes on protein structure and function (PolyPhen-2) suggests that this variant is likely to be tolerated. In summary, the available evidence is currently insufficient to determine the role of this variant in disease. Therefore, it has been classified as a Variant of Uncertain Significance.